The following is an entry in ClinVar:

NM_003896.4(ST3GAL5):c.266C>T (p.Thr89Ile)

Gene: ST3GAL5 (ST3 beta-galactoside alpha-2,3-sialyltransferase 5; minus strand). Cytogenetic location: 2p11.2.
Variant type: single nucleotide variant.
Coding change: c.266C>T on transcript NM_003896.4 (MANE Select); coding-DNA position 266, C replaced by T.
Protein change: p.Thr89Ile; replaces threonine 89 with isoleucine.
Molecular consequence: missense variant. On other transcripts: 5 prime UTR variant (5).
Genome position (GRCh38, 1-based): chr2:85,861,233, G>A on the plus strand (C>T on the coding strand, the complement: ST3GAL5 is on the minus strand). VCF-style: chr2-85861233-G-A. GRCh37 (hg19) VCF-style: chr2-86088356-G-A.
Other names: c.197C>T, p.Thr66Ile (NM_001042437.2); c.-359C>T (NM_001354224.2); c.-296C>T (NM_001354226.2, NM_001354223.2); c.182C>T, p.Thr61Ile (NM_001354227.2, NM_001354229.2, NM_001354238.1); c.-736C>T (NM_001354233.2); c.-700C>T (NM_001354234.1); c.266C>T, p.Thr89Ile (NM_001363847.1); short protein forms T66I, T89I, T61I.
Identifiers: ClinVar variation 1501616 (VCV001501616.5), dbSNP rs1684692890, ClinGen allele CA347534036.

ClinVar aggregate classification (germline): Uncertain significance (1 of 4 stars; one submission).

Conditions:
GM3 synthase deficiency (SPDRS). Also called: SALT AND PEPPER DEVELOPMENTAL REGRESSION SYNDROME; SALT AND PEPPER MENTAL RETARDATION SYNDROME; AMISH INFANTILE EPILEPSY SYNDROME. Identifiers: Orphanet 171714, Orphanet 370933, MedGen C1836824, MONDO:0018274, OMIM 609056.

Allele frequency attached by ClinVar (database versions not stated): gnomAD exomes below 0.00001.
gnomAD v4.1: 2 of 1,613,574 alleles (0.00012%); highest among the groups gnomAD compares: Non-Finnish European, 0.00017%; no homozygotes.

Submission:

Labcorp Genetics (formerly Invitae), Labcorp
Classification: Uncertain significance for GM3 synthase deficiency. Last evaluated: 2021-08-31. Review status: criteria provided, single submitter. Criteria: Invitae Variant Classification Sherloc (09022015). Collection method: clinical testing. Allele origin: germline.
Comment: This sequence change replaces threonine with isoleucine at codon 89 of the ST3GAL5 protein (p.Thr89Ile). The threonine residue is moderately conserved and there is a moderate physicochemical difference between threonine and isoleucine. This variant is not present in population databases (ExAC no frequency). This variant has not been reported in the literature in individuals affected with ST3GAL5-related conditions. Algorithms developed to predict the effect of missense changes on protein structure and function are either unavailable or do not agree on the potential impact of this missense change (SIFT: "Deleterious"; PolyPhen-2: "Benign"; Align-GVGD: "Class C0"). In summary, the available evidence is currently insufficient to determine the role of this variant in disease. Therefore, it has been classified as a Variant of Uncertain Significance.